The following is an entry in ClinVar:

ClinVar aggregate classification (germline): Likely benign (0 of 4 stars; one submission).

Conditions:
ALDH1A3-related disorder. Also called: ALDH1A3-related condition.

Allele frequency attached by ClinVar (database versions not stated): ExAC 0.00003; gnomAD 0.00005; TOPMed 0.00013; 1000 Genomes Project 30x 0.00016; 1000 Genomes Project 0.00020.
gnomAD v4.1: 98 of 1,603,640 alleles (0.0061%); highest among the groups gnomAD compares: Admixed American, 0.019%; no homozygotes.

Submission:

PreventionGenetics, part of Exact Sciences
Classification: Likely benign for ALDH1A3-related condition. Last evaluated: 2021-03-19. Review status: no assertion criteria provided. Collection method: clinical testing. Allele origin: germline.
Comment: This variant is classified as likely benign based on ACMG/AMP sequence variant interpretation guidelines (Richards et al. 2015 PMID: 25741868, with internal and published modifications).

NM_000693.4(ALDH1A3):c.333C>T (p.Arg111=)

Gene: ALDH1A3 (aldehyde dehydrogenase 1 family member A3; plus strand). Cytogenetic location: 15q26.3.
Variant type: single nucleotide variant.
Coding change: c.333C>T on transcript NM_000693.4 (MANE Select); coding-DNA position 333, C replaced by T.
Protein change: p.Arg111=; no amino-acid change (arginine 111 retained).
Molecular consequence: synonymous variant.
Genome position (GRCh38, 1-based): chr15:100,887,700, C>T. VCF-style: chr15-100887700-C-T. GRCh37 (hg19) VCF-style: chr15-101427905-C-T.
Other names: c.333C>T, p.Arg111= (NM_001293815.2).
Identifiers: ClinVar variation 3031739 (VCV003031739.2), dbSNP rs560418569, ClinGen allele CA7760030.
Genomic context (GRCh38, chr15:100,887,700, plus strand): 5'-GGATGCCCTGAGTCGTGGGCGGCTGCTGCACCAGCTGGCTGACCTGGTGGAGAGGGACCG[C>T]GCCACCTTGGCCGTGAGTACATGCACTTGGGGGCCGGTGGGGGATGAGCCAGCCTCACTG-3'
Protein context (NP_000684.2, residues 101-121): HQLADLVERD[Arg111=]ATLAALETMD